The following is an entry in ClinVar:

ClinVar aggregate classification (germline): Pathogenic (1 of 4 stars; one submission).

Submission:

Labcorp Genetics (formerly Invitae), Labcorp
Classification: Pathogenic. Last evaluated: 2022-03-20. Review status: criteria provided, single submitter. Criteria: Invitae Variant Classification Sherloc (09022015). Collection method: clinical testing. Allele origin: germline.
Comment: This sequence change creates a premature translational stop signal (p.Gly707Alafs*18) in the COL18A1 gene. It is expected to result in an absent or disrupted protein product. Loss-of-function variants in COL18A1 are known to be pathogenic (PMID: 12415512, 25456301). For these reasons, this variant has been classified as Pathogenic. This variant has not been reported in the literature in individuals affected with COL18A1-related conditions. This variant is not present in population databases (gnomAD no frequency).

Literature cited by the submitters: PubMed 12415512; PubMed 25456301.

NM_001379500.1(COL18A1):c.2118_2119dup (p.Gly707fs)

Gene: COL18A1 (collagen type XVIII alpha 1 chain; plus strand). Cytogenetic location: 21q22.3.
Variant type: Duplication.
Coding change: c.2118_2119dup on transcript NM_001379500.1 (MANE Select); coding-DNA positions 2118 to 2119, 2 bases duplicated (CG; older notation c.2118_2119dupCG).
Protein change: p.Gly707fs; shifts the reading frame from glycine 707.
Molecular consequence: frameshift variant.
Genome position (GRCh38, 1-based): chr21:45,491,275-45,491,276, CG duplicated. VCF-style (leftmost placement, unchanged base first): chr21-45491274-C-CCG. GRCh37 (hg19) VCF-style: chr21-46911188-C-CCG.
Other names: c.2658_2659dup, p.Gly887fs (NM_030582.4); c.3363_3364dup, p.Gly1122fs (NM_130444.3); short protein forms G1122fs, G707fs, G887fs.
Identifiers: ClinVar variation 2115180 (VCV002115180.4), dbSNP rs2517683432, ClinGen allele CA2580098884.
Genomic context (GRCh38, chr21:45,491,274, plus strand): 5'-TCCTCTTCCAGGGAGATCCAGGGAAGGACGGAGTCGGGCAGCCGGGCCTCCCTGGCCCCC[C>CCG]CGGACCCCCGGGACCTGTGGTCTACGTGTCGGAGCAGGACGTAAGGACGCTGCGTGGGTG-3'